The following is an entry in ClinVar:

NM_001386140.1(MTTP):c.452G>T (p.Gly151Val)

Gene: MTTP (microsomal triglyceride transfer protein; plus strand). Cytogenetic location: 4q23.
Variant type: single nucleotide variant.
Coding change: c.452G>T on transcript NM_001386140.1 (MANE Select); coding-DNA position 452, G replaced by T.
Protein change: p.Gly151Val; replaces glycine 151 with valine.
Molecular consequence: missense variant.
Genome position (GRCh38, 1-based): chr4:99,589,701, G>T. VCF-style: chr4-99589701-G-T. GRCh37 (hg19) VCF-style: chr4-100510858-G-T.
Other names: c.452G>T, p.Gly151Val (NM_000253.4); c.203G>T, p.Gly68Val (NM_001300785.2); short protein forms G151V, G68V.
Identifiers: ClinVar variation 940785 (VCV000940785.5), dbSNP rs1252692732, ClinGen allele CA357503655.

ClinVar aggregate classification (germline): Uncertain significance. Review status: criteria provided, single submitter (1 of 4 stars). 2 submissions from 2 submitters: Uncertain significance (1). 1 of the submissions does not count toward it. Last evaluated 2021-08-27.

Conditions:
Abetalipoproteinaemia (ABL). Also called: Abetalipoproteinemia; Abetalipoproteinemia neuropathy; Apolipoprotein B deficiency; Congenital betalipoprotein deficiency syndrome; MTP DEFICIENCY. Identifiers: Orphanet 14, MedGen C0000744, MONDO:0008692, OMIM 200100, HP:0008181.

Allele frequency attached by ClinVar (database versions not stated): gnomAD exomes below 0.00001; TOPMed below 0.00001; gnomAD 0.00001.
gnomAD v4.1: 5 of 1,610,144 alleles (0.00031%); highest among the groups gnomAD compares: Non-Finnish European, 0.00042%; no homozygotes.

Submissions (2):

Labcorp Genetics (formerly Invitae), Labcorp
Classification: Uncertain significance. Last evaluated: 2021-08-27. Review status: criteria provided, single submitter. Criteria: Invitae Variant Classification Sherloc (09022015). Collection method: clinical testing. Allele origin: germline.
Comment: This sequence change replaces glycine with valine at codon 151 of the MTTP protein (p.Gly151Val). The glycine residue is highly conserved and there is a moderate physicochemical difference between glycine and valine. This variant is not present in population databases (ExAC no frequency). This variant has not been reported in the literature in individuals affected with MTTP-related conditions. Algorithms developed to predict the effect of missense changes on protein structure and function are either unavailable or do not agree on the potential impact of this missense change (SIFT: "Deleterious"; PolyPhen-2: "Probably Damaging"; Align-GVGD: "Class C15"). In summary, the available evidence is currently insufficient to determine the role of this variant in disease. Therefore, it has been classified as a Variant of Uncertain Significance.

Natera, Inc.
Classification: Uncertain significance for Abetalipoproteinemia. Last evaluated: 2020-01-24. Review status: no assertion criteria provided. Collection method: clinical testing. Allele origin: germline. Not counted in ClinVar's aggregate classification.